The following is an entry in ClinVar:

NM_020911.2(PLXNA4):c.1707C>T (p.Ser569=)

Gene: PLXNA4 (plexin A4; minus strand). Cytogenetic location: 7q32.3.
Variant type: single nucleotide variant.
Coding change: c.1707C>T on transcript NM_020911.2 (MANE Select); coding-DNA position 1707, C replaced by T.
Protein change: p.Ser569=; no amino-acid change (serine 569 retained).
Molecular consequence: synonymous variant.
Genome position (GRCh38, 1-based): chr7:132,228,367, G>A on the plus strand (C>T on the coding strand, the complement: PLXNA4 is on the minus strand). VCF-style: chr7-132228367-G-A. GRCh37 (hg19) VCF-style: chr7-131913126-G-A.
Other names: c.1707C>T, p.Ser569= (NM_001393897.1).
Identifiers: ClinVar variation 3054826 (VCV003054826.2), dbSNP rs757824123, ClinGen allele CA4490046.

ClinVar aggregate classification (germline): Likely benign (0 of 4 stars; one submission).

Conditions:
PLXNA4-related disorder. Also called: PLXNA4-related condition.

Allele frequency attached by ClinVar (database versions not stated): gnomAD 0.00001; TOPMed 0.00003; ExAC 0.00004.
gnomAD v4.1: 34 of 1,613,948 alleles (0.0021%); highest among the groups gnomAD compares: Non-Finnish European, 0.0025%; 1 homozygote.

Submission:

PreventionGenetics, part of Exact Sciences
Classification: Likely benign for PLXNA4-related condition. Last evaluated: 2023-07-18. Review status: no assertion criteria provided. Collection method: clinical testing. Allele origin: germline.
Comment: This variant is classified as likely benign based on ACMG/AMP sequence variant interpretation guidelines (Richards et al. 2015 PMID: 25741868, with internal and published modifications).